The following is an entry in ClinVar:

ClinVar aggregate classification (germline): Uncertain significance (1 of 4 stars; one submission).

Conditions:
Hereditary cancer-predisposing syndrome. Also called: Neoplastic Syndromes, Hereditary; Hereditary Cancer Syndrome; Tumor predisposition; Hereditary neoplastic syndrome. Identifiers: Orphanet 140162, MedGen C0027672, MeSH D009386, MONDO:0015356.

Submission:

Ambry Genetics
Classification: Uncertain significance for Hereditary cancer-predisposing syndrome. Last evaluated: 2024-12-16. Review status: criteria provided, single submitter. Criteria: Ambry Variant Classification Scheme 2023. Collection method: clinical testing. Allele origin: germline.
Comment: The c.4110-5G>T intronic variant results from a G to T substitution 5 nucleotides upstream from coding exon 27 in the ATM gene. This nucleotide position is poorly conserved in available vertebrate species. In silico splice site analysis predicts that this alteration will not have any significant effect on splicing. Based on the available evidence, the clinical significance of this variant remains unclear.

NM_000051.4(ATM):c.4110-5G>T

Gene: ATM (ATM serine/threonine kinase; plus strand). Cytogenetic location: 11q22.3.
Variant type: single nucleotide variant.
Coding change: c.4110-5G>T on transcript NM_000051.4 (MANE Select); 5 bases into the intron before coding-DNA position 4110, G replaced by T.
Molecular consequence: intron variant.
Genome position (GRCh38, 1-based): chr11:108,288,972, G>T. VCF-style: chr11-108288972-G-T. GRCh37 (hg19) VCF-style: chr11-108159699-G-T.
Other names: c.4110-5G>T (NM_001351834.2).
Identifiers: ClinVar variation 3801061 (VCV003801061.1).